The following is an entry in ClinVar:

NM_033305.3(VPS13A):c.3780_3782delinsGAT (p.Ile1260_Thr1261delinsMetIle)

Gene: VPS13A (vacuolar protein sorting 13 homolog A; plus strand). Cytogenetic location: 9q21.2.
Variant type: Indel.
Coding change: c.3780_3782delinsGAT on transcript NM_033305.3 (MANE Select); coding-DNA positions 3780 to 3782, AAC replaced by GAT.
Protein change: p.Ile1260_Thr1261delinsMetIle.
Molecular consequence: missense variant.
Genome position (GRCh38, 1-based): chr9:77,295,814-77,295,816, AAC replaced by GAT. VCF-style: chr9-77295814-AAC-GAT. GRCh37 (hg19) VCF-style: chr9-79910730-AAC-GAT.
Other names: c.3663_3665delinsGAT, p.Ile1221_Thr1222delinsMetIle (NM_001018037.2); c.3780_3782delinsGAT, p.Ile1260_Thr1261delinsMetIle (NM_001018038.3, NM_015186.4).
Identifiers: ClinVar variation 1312341 (VCV001312341.2), dbSNP rs2131376645, ClinGen allele CA2573053189.

ClinVar aggregate classification (germline): Uncertain significance (1 of 4 stars; one submission).

Submission:

GeneDx
Classification: Uncertain significance. Last evaluated: 2019-09-24. Review status: criteria provided, single submitter. Criteria: GeneDx Variant Classification Process June 2021. Collection method: clinical testing. Allele origin: germline. Affected: yes.
Comment: Not observed in large population cohorts (Lek et al., 2016); In silico analysis, which includes protein predictors and evolutionary conservation, supports that this variant does not alter protein structure/function; Has not been previously published as pathogenic or benign to our knowledge